The following is an entry in ClinVar:

NM_000748.3(CHRNB2):c.1378C>G (p.Arg460Gly)

Gene: CHRNB2 (cholinergic receptor nicotinic beta 2 subunit; plus strand). Cytogenetic location: 1q21.3.
Variant type: single nucleotide variant.
Coding change: c.1378C>G on transcript NM_000748.3 (MANE Select); coding-DNA position 1378, C replaced by G.
Protein change: p.Arg460Gly; replaces arginine 460 with glycine.
Molecular consequence: missense variant.
Genome position (GRCh38, 1-based): chr1:154,575,801, C>G. VCF-style: chr1-154575801-C-G. GRCh37 (hg19) VCF-style: chr1-154548277-C-G.
Other names: p.R460G:CGC>GGC; short protein forms R460G.
Identifiers: ClinVar variation 191352 (VCV000191352.56), dbSNP rs202079239, ClinGen allele CA199767.

ClinVar aggregate classification (germline): Benign/Likely benign. Review status: criteria provided, multiple submitters, no conflicts (2 of 4 stars). 7 submissions from 7 submitters: Benign (1); Likely benign (5). 1 of the submissions does not count toward it. Last evaluated 2026-04-01.

Conditions:
Familial sleep-related hypermotor epilepsy. Also called: Autosomal Dominant Sleep-Related Hypermotor (Hyperkinetic) Epilepsy. Identifiers: Orphanet 98784, MedGen C3696898, MONDO:0000030.
Inborn genetic diseases. Identifiers: MedGen C0950123, MeSH D030342.
Autosomal dominant nocturnal frontal lobe epilepsy 3. Also called: CHRNB2-Related Nocturnal Frontal Lobe Epilepsy, Autosomal Dominant. Identifiers: Orphanet 98784, MedGen C1854335, MONDO:0011545, OMIM 605375.
Generalized-onset seizure. Also called: Generalized seizures. Identifiers: MedGen C0234533, HP:0002197.

Allele frequency attached by ClinVar (database versions not stated): ESP Exome Variant Server 0.00015; TOPMed 0.00016.
gnomAD v4.1: 735 of 1,614,114 alleles (0.046%); highest among the groups gnomAD compares: Non-Finnish European, 0.048%; no homozygotes.

Submissions (7):

CeGaT Center for Human Genetics Tuebingen
Classification: Likely benign. Last evaluated: 2026-04-01. Review status: criteria provided, single submitter. Criteria: CeGaT Center For Human Genetics Tuebingen Variant Classification Criteria Version 2. Collection method: clinical testing. Allele origin: germline. Affected: yes. Observed: 3 variant alleles.
Comment: CHRNB2: BS2

Labcorp Genetics (formerly Invitae), Labcorp
Classification: Likely benign. Last evaluated: 2025-06-22. Review status: criteria provided, single submitter. Criteria: Invitae Variant Classification Sherloc (09022015). Collection method: clinical testing. Allele origin: germline.

ARUP Laboratories, Molecular Genetics and Genomics, ARUP Laboratories
Classification: Likely benign for Autosomal dominant nocturnal frontal lobe epilepsy 3. Last evaluated: 2024-04-08. Review status: criteria provided, single submitter. Criteria: ARUP Molecular Germline Variant Investigation Process 2024. Collection method: clinical testing. Allele origin: germline.

Ambry Genetics
Classification: Likely benign for Inborn genetic diseases. Last evaluated: 2021-11-08. Review status: criteria provided, single submitter. Criteria: Ambry Variant Classification Scheme 2023. Collection method: clinical testing. Allele origin: germline.

Fulgent Genetics
Classification: Likely benign for Autosomal dominant nocturnal frontal lobe epilepsy 3. Last evaluated: 2021-07-20. Review status: criteria provided, single submitter. Criteria: ACMG Guidelines, 2015. Collection method: clinical testing. Allele origin: unknown.

GeneDx
Classification: Benign. Last evaluated: 2019-03-14. Review status: criteria provided, single submitter. Criteria: GeneDx Variant Classification Process June 2021. Collection method: clinical testing. Allele origin: germline. Affected: yes.
Comment: This variant is associated with the following publications: (PMID: 26475232)

Department of Medical Genetics, Oslo University Hospital
Classification: Uncertain significance for Generalized seizures. Last evaluated: 2014-12-22. Review status: no assertion criteria provided. Criteria: research. Collection method: research. Allele origin: germline. Affected: yes and no. Observed: 3 variant alleles. Not counted in ClinVar's aggregate classification.

Literature cited by the submitters: PubMed 26475232 (cited by Ambry Genetics).